The following is an entry in ClinVar:

ClinVar aggregate classification (germline): Uncertain significance. Review status: criteria provided, multiple submitters, no conflicts (2 of 4 stars). 3 submissions from 3 submitters: Uncertain significance (3). Last evaluated 2025-04-02.

Conditions:
Hereditary cancer-predisposing syndrome. Also called: Neoplastic Syndromes, Hereditary; Hereditary neoplastic syndrome; Tumor predisposition; Hereditary Cancer Syndrome. Identifiers: Orphanet 140162, MedGen C0027672, MeSH D009386, MONDO:0015356.
Familial cancer of breast. Also called: Hereditary breast cancer; hereditary breast carcinoma; BREAST CANCER, FAMILIAL. Identifiers: Orphanet 227535, MedGen C0346153, MONDO:0016419, OMIM 114480. Disease mechanism: loss of function.
PALB2-related cancer predisposition. Identifiers: MedGen CN377761, MONDO:0700272.

Submissions (3):

Hema, HEMA – Genetic and Molecular Diagnostic Laboratory
Classification: Uncertain significance for PALB2-related cancer predisposition. Last evaluated: 2025-04-02. Review status: criteria provided, single submitter. Criteria: HEMA Variant Classification Assertion Criteria. Collection method: clinical testing. Allele origin: germline.
Comment: It is a transversion from guanine to cytosine that results in the substitution of alanine 519 by glycine in the PALB2 protein. PM2_Supporting: Absent in the gnomAD v4.1.0 database. BP1: Missense variant in PALB2, a gene in which pathogenic variants are primarily truncations.

Labcorp Genetics (formerly Invitae), Labcorp
Classification: Uncertain significance for Familial cancer of breast. Last evaluated: 2022-05-11. Review status: criteria provided, single submitter. Criteria: Invitae Variant Classification Sherloc (09022015). Collection method: clinical testing. Allele origin: germline.
Comment: This variant is not present in population databases (gnomAD no frequency). In summary, the available evidence is currently insufficient to determine the role of this variant in disease. Therefore, it has been classified as a Variant of Uncertain Significance. Algorithms developed to predict the effect of missense changes on protein structure and function (SIFT, PolyPhen-2, Align-GVGD) all suggest that this variant is likely to be tolerated. ClinVar contains an entry for this variant (Variation ID: 936649). This variant has not been reported in the literature in individuals affected with PALB2-related conditions. This sequence change replaces alanine, which is neutral and non-polar, with glycine, which is neutral and non-polar, at codon 519 of the PALB2 protein (p.Ala519Gly).

Ambry Genetics
Classification: Uncertain significance for Hereditary cancer-predisposing syndrome. Last evaluated: 2021-01-19. Review status: criteria provided, single submitter. Criteria: Ambry Variant Classification Scheme 2023. Collection method: clinical testing. Allele origin: germline.
Comment: The p.A519G variant (also known as c.1556C>G), located in coding exon 4 of the PALB2 gene, results from a C to G substitution at nucleotide position 1556. The alanine at codon 519 is replaced by glycine, an amino acid with similar properties. This amino acid position is poorly conserved in available vertebrate species. In addition, this alteration is predicted to be tolerated by in silico analysis. Since supporting evidence is limited at this time, the clinical significance of this alteration remains unclear.

NM_024675.4(PALB2):c.1556C>G (p.Ala519Gly)

Gene: PALB2 (partner and localizer of BRCA2; minus strand). Cytogenetic location: 16p12.2.
Variant type: single nucleotide variant.
Coding change: c.1556C>G on transcript NM_024675.4 (MANE Select); coding-DNA position 1556, C replaced by G.
Protein change: p.Ala519Gly; replaces alanine 519 with glycine.
Molecular consequence: missense variant.
Genome position (GRCh38, 1-based): chr16:23,634,990, G>C on the plus strand (C>G on the coding strand, the complement: PALB2 is on the minus strand). VCF-style: chr16-23634990-G-C. GRCh37 (hg19) VCF-style: chr16-23646311-G-C.
Other names: short protein forms A519G.
Identifiers: ClinVar variation 936649 (VCV000936649.14), dbSNP rs1340452845, ClinGen allele CA395130787.